The following is an entry in ClinVar:

ClinVar aggregate classification (germline): Uncertain significance. Review status: criteria provided, multiple submitters, no conflicts (2 of 4 stars). 9 submissions from 9 submitters: Uncertain significance (9). Last evaluated 2026-01-21.

Conditions:
Hereditary cancer-predisposing syndrome. Also called: Hereditary neoplastic syndrome; Neoplastic Syndromes, Hereditary; Hereditary Cancer Syndrome; Tumor predisposition. Identifiers: Orphanet 140162, MedGen C0027672, MeSH D009386, MONDO:0015356.
Familial cancer of breast. Also called: Hereditary breast cancer; BREAST CANCER, FAMILIAL; hereditary breast carcinoma. Identifiers: Orphanet 227535, MedGen C0346153, MONDO:0016419, OMIM 114480. Disease mechanism: loss of function.

Allele frequency attached by ClinVar (database versions not stated): ExAC 0.00002; gnomAD 0.00001.

Submissions (9):

Labcorp Genetics (formerly Invitae), Labcorp
Classification: Uncertain significance for Familial cancer of breast. Last evaluated: 2026-01-21. Review status: criteria provided, single submitter. Criteria: Invitae Variant Classification Sherloc (09022015). Collection method: clinical testing. Allele origin: germline.
Comment: This sequence change replaces glutamic acid, which is acidic and polar, with aspartic acid, which is acidic and polar, at codon 305 of the CHEK2 protein (p.Glu305Asp). This variant is present in population databases (rs587780191, gnomAD 0.003%). This missense change has been observed in individual(s) with endometrial cancer (PMID: 27443514). ClinVar contains an entry for this variant (Variation ID: 128088). An algorithm developed to predict the effect of missense changes on protein structure and function (PolyPhen-2) suggests that this variant is likely to be tolerated. Experimental studies have shown that this missense change does not substantially affect CHEK2 function (PMID: 37449874). In summary, the available evidence is currently insufficient to determine the role of this variant in disease. Therefore, it has been classified as a Variant of Uncertain Significance.

Ambry Genetics
Classification: Uncertain significance for Hereditary cancer-predisposing syndrome. Last evaluated: 2025-10-21. Review status: criteria provided, single submitter. Criteria: Ambry Variant Classification Scheme 2023. Collection method: clinical testing. Allele origin: germline.
Comment: The p.E305D variant (also known as c.915A>C), located in coding exon 8 of the CHEK2 gene, results from an A to C substitution at nucleotide position 915. The glutamic acid at codon 305 is replaced by aspartic acid, an amino acid with highly similar properties. This alteration was reported as functional in a study assessing CHEK2-complementation through quantification of KAP1 phosphorylation and CHK2 autophosphorylation in human RPE1-CHEK2-knockout cells (Stolarova L et al. Clin Cancer Res, 2023 Aug;29:3037-3050). This amino acid position is highly conserved in available vertebrate species. In addition, the in silico prediction for this alteration is inconclusive. Since supporting evidence is limited at this time, the clinical significance of this alteration remains unclear.

Quest Diagnostics Nichols Institute San Juan Capistrano
Classification: Uncertain significance. Last evaluated: 2025-05-13. Review status: criteria provided, single submitter. Criteria: Quest Diagnostics criteria. Collection method: clinical testing. Allele origin: unknown.
Comment: The CHEK2 c.915A>C (p.Glu305Asp) variant has been reported in the published literature in individuals with breast cancer (PMID: 28779002 (2017), 35884425 (2022), 33471991 (2021), see also LOVD), endometrial cancer (PMID: 27443514 (2016)), and reportedly unaffected individuals (PMID: 28779002 (2017), 33471991 (2021), see also LOVD). A functional study demonstrated that this variant is not damaging to protein function (PMID: 37449874 (2023)). The frequency of this variant in the general population (Genome Aggregation Database) is uninformative in the assessment of its pathogenicity. Analysis of this variant using bioinformatics tools for the prediction of the effect of amino acid changes on protein structure and function yielded conflicting predictions that this variant is benign or damaging. Based on the available information, we are unable to determine the clinical significance of this variant.

Color Diagnostics, LLC DBA Color Health
Classification: Uncertain significance for Hereditary cancer-predisposing syndrome. Last evaluated: 2024-10-29. Review status: criteria provided, single submitter. Criteria: ACMG Guidelines, 2015. Collection method: clinical testing. Allele origin: germline.
Comment: This missense variant replaces glutamic acid with aspartic acid at codon 305 of the CHEK2 protein. Computational prediction suggests that this variant may not impact protein structure and function. Experimental studies have demonstrated this variant is functional in kinase assays measuring the phosphorylation of KAP1 and autophosphorylation of CHK2 (PMID: 37449874). This variant has been reported in individuals affected with breast and endometrial cancer in the literature (PMID: 27443514, 28779002) . In a large breast cancer case-control study, this variant has been observed in 3/60466 cases and 2/53461 unaffected controls (PMID: 33471991). This variant has been identified in 5/282456 chromosomes in the general population by the Genome Aggregation Database (gnomAD). The available evidence is insufficient to determine the role of this variant in disease conclusively. Therefore, this variant is classified as a Variant of Uncertain Significance.

Baylor Genetics
Classification: Uncertain significance for Familial cancer of breast. Last evaluated: 2024-02-21. Review status: criteria provided, single submitter. Criteria: ACMG Guidelines, 2015. Collection method: clinical testing. Allele origin: unknown.

GeneDx
Classification: Uncertain significance. Last evaluated: 2024-02-11. Review status: criteria provided, single submitter. Criteria: GeneDx Variant Classification Process June 2021. Collection method: clinical testing. Allele origin: germline. Affected: yes.
Comment: Not observed at significant frequency in large population cohorts (gnomAD); In silico analysis supports that this missense variant has a deleterious effect on protein structure/function; Published functional studies demonstrate KAP1 phosphorylation and CHK2 auto-phosphorylation similar to wildtype (PMID: 37449874); Identified in individuals with breast or endometrial cancer but also in unaffected controls (PMID: 27443514, 28779002, 33471991, 37449874); This variant is associated with the following publications: (PMID: 27443514, 33099347, 33471991, 19782031, 22419737, 28779002, 37449874)

Sema4
Classification: Uncertain significance for Hereditary cancer-predisposing syndrome. Last evaluated: 2021-12-09. Review status: criteria provided, single submitter. Criteria: Sema4 Curation Guidelines. Collection method: curation. Allele origin: germline.
Comment: The CHEK2 c.915A>C (p.E305D) variant has been reported in heterozygosity in at least one individual with endometrial cancer (PMID: 27443514) and in one individual with pineal teratoma with nephroblastoma (PMID: 33099347). It has been reported in a large case-control study of breast cancer in 3/60466 cases and 2/53461 controls (PMID: 33471991). This variant was observed in 4/129016 chromosomes in the Non-Finnish European population, according to the Genome Aggregation Database (PMID: 32461654). This variant has been reported in ClinVar (Variation ID: 128088). Functional studies have not been performed, and in silico predictions of the variant's effect on protein function are inconclusive. The overall evidence is inconsistent with ACMG/AMP requirements for a classification of benign or pathogenic. In summary, the clinical significance of this variant is currently uncertain.

Women's Health and Genetics/Laboratory Corporation of America, LabCorp
Classification: Uncertain significance. Last evaluated: 2020-07-10. Review status: criteria provided, single submitter. Criteria: LabCorp Variant Classification Summary - May 2015. Collection method: clinical testing. Allele origin: germline.
Comment: Variant summary: CHEK2 c.915A>C (p.Glu305Asp) results in a conservative amino acid change located in the Protein kinase domain (IPR000719) of the encoded protein sequence. Three of five in-silico tools predict a benign effect of the variant on protein function. The variant allele was found at a frequency of 1.6e-05 in 251072 control chromosomes. The available data on variant occurrences in the general population are insufficient to allow any conclusion about variant significance. c.915A>C has been reported in the literature as a VUS in at-least one individual affected with Endometrial cancer (Ring_2016). This report does not provide unequivocal conclusions about association of the variant with Hereditary Breast And Ovarian Cancer Syndrome. To our knowledge, no experimental evidence demonstrating an impact on protein function has been reported. Four clinical diagnostic laboratories have submitted clinical-significance assessments for this variant to ClinVar after 2014 without evidence for independent evaluation. All laboratories classified the variant as uncertain significance. Based on the evidence outlined above, the variant was classified as uncertain significance.

Genetic Services Laboratory, University of Chicago
Classification: Uncertain significance. Last evaluated: 2020-05-01. Review status: criteria provided, single submitter. Criteria: ACMG Guidelines, 2015. Collection method: clinical testing. Allele origin: germline. Affected: no.
Comment: DNA sequence analysis of the CHEK2 gene demonstrated a sequence change, c.915A>C, in exon 9 that results in an amino acid change, p.Glu305Asp. This sequence change does not appear to have been previously described in patients with CHEK2 -related disorders and has been described in the gnomAD database with a low population frequency of 0.0018% (rs587780191). The p.Glu305Asp change affects a moderately conserved amino acid residue located in a domain of the CHEK2 protein that is known to be functional. In-silico pathogenicity prediction tools (SIFT, PolyPhen2, Align GVGD, REVEL) provide contradictory results for the p.Glu305Asp substitution. Due to these contrasting evidences and the lack of functional studies, the clinical significance of the p.Glu305Asp change remains unknown at this time.

Literature cited by the submitters: PubMed 27443514 (cited by 5 submitters); PubMed 37449874 (cited by 4 submitters); PubMed 33471991 (cited by 3 submitters); PubMed 28779002 (cited by Quest Diagnostics Nichols Institute San Juan Capistrano and Color Diagnostics, LLC DBA Color Health); PubMed 35884425 (cited by Quest Diagnostics Nichols Institute San Juan Capistrano); PubMed 33099347 (cited by Sema4).

NM_007194.4(CHEK2):c.915A>C (p.Glu305Asp)

Gene: CHEK2 (checkpoint kinase 2; minus strand). Cytogenetic location: 22q12.1.
Variant type: single nucleotide variant.
Coding change: c.915A>C on transcript NM_007194.4 (MANE Select); coding-DNA position 915, A replaced by C.
Protein change: p.Glu305Asp; replaces glutamic acid 305 with aspartic acid.
Molecular consequence: missense variant.
Genome position (GRCh38, 1-based): chr22:28,699,931, T>G on the plus strand (A>C on the coding strand, the complement: CHEK2 is on the minus strand). VCF-style: chr22-28699931-T-G. GRCh37 (hg19) VCF-style: chr22-29095919-T-G.
Other names: p.E305D:GAA>GAC; c.1044A>C, p.Glu348Asp (NM_001005735.3); c.252A>C, p.Glu84Asp (NM_001257387.3); c.714A>C, p.Glu238Asp (NM_001349956.3); c.915A>C, p.Glu305Asp (NM_145862.3); short protein forms E305D, E348D, E238D, E84D.
Identifiers: ClinVar variation 128088 (VCV000128088.35), dbSNP rs587780191, ClinGen allele CA288329.